The following is an entry in ClinVar:

NM_001330078.2(NRXN1):c.4029G>A (p.Met1343Ile)

Gene: NRXN1 (neurexin 1; minus strand). Cytogenetic location: 2p16.3.
Variant type: single nucleotide variant.
Coding change: c.4029G>A on transcript NM_001330078.2 (MANE Select); coding-DNA position 4029, G replaced by A.
Protein change: p.Met1343Ile; replaces methionine 1343 with isoleucine.
Molecular consequence: missense variant.
Genome position (GRCh38, 1-based): chr2:50,053,370, C>T on the plus strand (G>A on the coding strand, the complement: NRXN1 is on the minus strand). VCF-style: chr2-50053370-C-T. GRCh37 (hg19) VCF-style: chr2-50280508-C-T.
Other names: c.4149G>A, p.Met1383Ile (NM_001135659.3); c.3939G>A, p.Met1313Ile (NM_004801.6); c.834G>A, p.Met278Ile (NM_138735.5, NM_001330097.2); c.4005G>A, p.Met1335Ile (NM_001330077.2, NM_001330082.2); c.3873G>A, p.Met1291Ile (NM_001330083.2); c.924G>A, p.Met308Ile (NM_001330092.2, NM_001330091.2); c.4026G>A, p.Met1342Ile (NM_001330093.2); c.4017G>A, p.Met1339Ile (NM_001330094.2); and 6 more; short protein forms M1383I, M1286I, M1313I, M1342I, M1321I, M1334I, M1335I, M1291I.
Identifiers: ClinVar variation 449230 (VCV000449230.15), dbSNP rs146100580, ClinGen allele CA1654314.
Genomic context (GRCh38, chr2:50,053,370, plus strand): 5'-GGCTGTGCTAGTAGCCAGGGTCGTGGTAGTCTCCATAATTGATGTGGACATCTCTGATTG[C>T]ATGGCAGTGGCTGTTGACTCAGTTGTCATAGAGGAAGGCACTTCACCAACCAGTCTCACA-3'
Protein context (NP_001317007.1, residues 1333-1353): SMTTESTATA[Met1343Ile]QSEMSTSIME

ClinVar aggregate classification (germline): Conflicting classifications of pathogenicity. Review status: criteria provided, conflicting classifications (1 of 4 stars). 3 submissions from 3 submitters: Uncertain significance (2); Likely benign (1). Last evaluated 2025-12-05.

Conditions:
Inborn genetic diseases. Identifiers: MedGen C0950123, MeSH D030342.
Pitt-Hopkins-like syndrome 2 (PTHSL2). Identifiers: Orphanet 221150, Orphanet 600663, MedGen C3280479, MONDO:0013690, OMIM 614325.

Allele frequency attached by ClinVar (database versions not stated): ExAC 0.00003; gnomAD exomes 0.00004; gnomAD 0.00013; ESP Exome Variant Server 0.00015; TOPMed 0.00021.

Submissions (3):

Labcorp Genetics (formerly Invitae), Labcorp
Classification: Uncertain significance for Pitt-Hopkins-like syndrome 2. Last evaluated: 2025-12-05. Review status: criteria provided, single submitter. Criteria: Invitae Variant Classification Sherloc (09022015). Collection method: clinical testing. Allele origin: germline.
Comment: This sequence change replaces methionine, which is neutral and non-polar, with isoleucine, which is neutral and non-polar, at codon 1383 of the NRXN1 protein (p.Met1383Ile). This variant is present in population databases (rs146100580, gnomAD 0.05%). This variant has not been reported in the literature in individuals affected with NRXN1-related conditions. ClinVar contains an entry for this variant (Variation ID: 449230). Invitae Evidence Modeling of protein sequence and biophysical properties (such as structural, functional, and spatial information, amino acid conservation, physicochemical variation, residue mobility, and thermodynamic stability) indicates that this missense variant is not expected to disrupt NRXN1 protein function with a negative predictive value of 80%. In summary, the available evidence is currently insufficient to determine the role of this variant in disease. Therefore, it has been classified as a Variant of Uncertain Significance.

Ambry Genetics
Classification: Uncertain significance for Inborn genetic diseases. Last evaluated: 2024-12-09. Review status: criteria provided, single submitter. Criteria: Ambry Variant Classification Scheme 2023. Collection method: clinical testing. Allele origin: germline.

GeneDx
Classification: Likely benign. Last evaluated: 2019-09-25. Review status: criteria provided, single submitter. Criteria: GeneDx Variant Classification Process June 2021. Collection method: clinical testing. Allele origin: germline. Affected: yes.
Comment: In silico analysis, which includes protein predictors and evolutionary conservation, supports that this variant does not alter protein structure/function Has not been previously published as pathogenic or benign to our knowledge